The following is an entry in ClinVar:

NM_177438.3(DICER1):c.3229G>A (p.Asp1077Asn)

Gene: DICER1 (dicer 1, ribonuclease III; minus strand). Cytogenetic location: 14q32.13.
Variant type: single nucleotide variant.
Coding change: c.3229G>A on transcript NM_177438.3 (MANE Select); coding-DNA position 3229, G replaced by A.
Protein change: p.Asp1077Asn; replaces aspartic acid 1077 with asparagine.
Molecular consequence: missense variant.
Genome position (GRCh38, 1-based): chr14:95,105,111, C>T on the plus strand (G>A on the coding strand, the complement: DICER1 is on the minus strand). VCF-style: chr14-95105111-C-T. GRCh37 (hg19) VCF-style: chr14-95571448-C-T.
Other names: c.3229G>A, p.Asp1077Asn (NM_001195573.1, NM_001271282.3, NM_001291628.2 and 1 more transcripts); short protein forms D1077N.
Identifiers: ClinVar variation 543643 (VCV000543643.21), dbSNP rs373412959, ClinGen allele CA7331083.

ClinVar aggregate classification (germline): Conflicting classifications of pathogenicity. Review status: criteria provided, conflicting classifications (1 of 4 stars). 6 submissions from 6 submitters: Uncertain significance (4); Benign (1); Likely benign (1). Last evaluated 2026-01-27.

Conditions:
DICER1-related disorder. Also called: DICER1-related condition.
DICER1-related tumor predisposition. Also called: DICER1 syndrome; DICER1-related pleuropulmonary blastoma cancer predisposition syndrome. Identifiers: Orphanet 284343, MedGen C3839822, MONDO:0100216.
Hereditary cancer-predisposing syndrome. Also called: Tumor predisposition; Hereditary neoplastic syndrome; Neoplastic Syndromes, Hereditary; Hereditary Cancer Syndrome. Identifiers: Orphanet 140162, MedGen C0027672, MeSH D009386, MONDO:0015356.
Ovarian cancer. Also called: OVARIAN CANCER, SOMATIC. Identifiers: Orphanet 213500, MedGen C1140680, MONDO:0008170, OMIM 167000.
Pleuropulmonary blastoma (PPB). Identifiers: Orphanet 64742, MedGen C1266144, MONDO:0011014, OMIM 601200, HP:0100528.

Allele frequency attached by ClinVar (database versions not stated): ESP Exome Variant Server 0.00008; gnomAD 0.00001; gnomAD exomes 0.00001; ExAC 0.00002.
gnomAD v4.1: 10 of 1,614,082 alleles (0.00062%); highest among the groups gnomAD compares: Admixed American, 0.0017%; no homozygotes.

Submissions (6):

Labcorp Genetics (formerly Invitae), Labcorp
Classification: Uncertain significance for DICER1-related tumor predisposition. Last evaluated: 2026-01-27. Review status: criteria provided, single submitter. Criteria: Invitae Variant Classification Sherloc (09022015). Collection method: clinical testing. Allele origin: germline.
Comment: This sequence change replaces aspartic acid, which is acidic and polar, with asparagine, which is neutral and polar, at codon 1077 of the DICER1 protein (p.Asp1077Asn). This variant is present in population databases (rs373412959, gnomAD 0.004%). This variant has not been reported in the literature in individuals affected with DICER1-related conditions. ClinVar contains an entry for this variant (Variation ID: 543643). Invitae Evidence Modeling of protein sequence and biophysical properties (such as structural, functional, and spatial information, amino acid conservation, physicochemical variation, residue mobility, and thermodynamic stability) indicates that this missense variant is not expected to disrupt DICER1 protein function with a negative predictive value of 95%. In summary, the available evidence is currently insufficient to determine the role of this variant in disease. Therefore, it has been classified as a Variant of Uncertain Significance.

Ambry Genetics
Classification: Likely benign for Hereditary cancer-predisposing syndrome. Last evaluated: 2025-04-18. Review status: criteria provided, single submitter. Criteria: Ambry Variant Classification Scheme 2023. Collection method: clinical testing. Allele origin: germline.

PreventionGenetics, part of Exact Sciences
Classification: Uncertain significance for DICER1-related condition. Last evaluated: 2025-01-23. Review status: criteria provided, single submitter. Criteria: ACMG Guidelines, 2015. Collection method: clinical testing. Allele origin: germline.
Comment: The DICER1 c.3229G>A variant is predicted to result in the amino acid substitution p.Asp1077Asn. To our knowledge, this variant has not been reported in the literature. This variant is reported in 4 of ~283,000 alleles in gnomAD and is interpreted as uncertain significance in ClinVar. At this time, the clinical significance of this variant is uncertain due to the absence of conclusive functional and genetic evidence.

Quest Diagnostics Nichols Institute San Juan Capistrano
Classification: Uncertain significance. Last evaluated: 2024-01-10. Review status: criteria provided, single submitter. Criteria: Quest Diagnostics criteria. Collection method: clinical testing. Allele origin: unknown.
Comment: The DICER1 c.3229G>A (p.Asp1077Asn) variant has not been reported in individuals with DICER1-related conditions in the published literature. The frequency of this variant in the general population, 0.000014 (4/282760 chromosomes (Genome Aggregation Database)), is uninformative in the assessment of its pathogenicity. Analysis of this variant using bioinformatics tools for the prediction of the effect of amino acid changes on protein structure and function yielded predictions that this variant is benign. Based on the available information, we are unable to determine the clinical significance of this variant.

St. Jude Molecular Pathology, St. Jude Children's Research Hospital
Classification: Uncertain significance for Pleuropulmonary blastoma. Last evaluated: 2023-06-15. Review status: criteria provided, single submitter. Criteria: St. Jude Assertion Criteria 2020. Collection method: clinical testing. Allele origin: germline.
Comment: The DICER1 c.3229G>A (p.Asp1077Asn) missense change has an overall frequency of 0.001118% in gnomAD non-cancer v2.1.1. The in silico tool REVEL predicts a benign effect on protein function and no splicing effects are predicted, but to our knowledge these predictions have not been confirmed by functional studies. To our knowledge, this variant has not been reported in individuals with DICER1-associated tumors. In summary, the evidence currently available is insufficient to determine the clinical significance of this variant. It has therefore been classified as of uncertain significance.

Laboratory of Molecular Epidemiology of Birth Defects, West China Second University Hospital, Sichuan University
Classification: Benign for Ovarian cancer. Last evaluated: 2022-01-01. Review status: criteria provided, single submitter. Criteria: ACMG Guidelines, 2015. Collection method: clinical testing. Allele origin: germline. Affected: yes.